The following is an entry in ClinVar:

NM_001292063.2(OTOG):c.2486G>A (p.Arg829Gln)

Gene: OTOG (otogelin; plus strand). Cytogenetic location: 11p15.1.
Variant type: single nucleotide variant.
Coding change: c.2486G>A on transcript NM_001292063.2 (MANE Select); coding-DNA position 2486, G replaced by A.
Protein change: p.Arg829Gln; replaces arginine 829 with glutamine.
Molecular consequence: missense variant.
Genome position (GRCh38, 1-based): chr11:17,574,912, G>A. VCF-style: chr11-17574912-G-A. GRCh37 (hg19) VCF-style: chr11-17596459-G-A.
Other names: c.2522G>A, p.Arg841Gln (NM_001277269.2); short protein forms R841Q, R829Q.
Identifiers: ClinVar variation 2071159 (VCV002071159.4), dbSNP rs1048658951, ClinGen allele CA218452539.
Genomic context (GRCh38, chr11:17,574,912, plus strand): 5'-AGGGCTGTGCCTGCCCACCGGACACCTATCTGGACACCCAGGCTGACCTCTGTGTCCCCC[G>A]GTGAGTGGGTCAGCTTGATCTCTGAGTTGGGTGGGAAGGTGAGGCCAGGGGTCTCCAGGG-3'
Protein context (NP_001278992.1, residues 819-839): LDTQADLCVP[Arg829Gln]NQCSCHFQGV

ClinVar aggregate classification (germline): Uncertain significance (1 of 4 stars; one submission).

Allele frequency attached by ClinVar (database versions not stated): TOPMed 0.00001; gnomAD exomes 0.00006.
gnomAD v4.1: 82 of 1,499,668 alleles (0.0055%); highest among the groups gnomAD compares: Non-Finnish European, 0.007%; no homozygotes.

Submission:

Labcorp Genetics (formerly Invitae), Labcorp
Classification: Uncertain significance. Last evaluated: 2025-10-01. Review status: criteria provided, single submitter. Criteria: Invitae Variant Classification Sherloc (09022015). Collection method: clinical testing. Allele origin: germline.
Comment: This sequence change replaces arginine, which is basic and polar, with glutamine, which is neutral and polar, at codon 841 of the OTOG protein (p.Arg841Gln). This variant also falls at the last nucleotide of exon 19, which is part of the consensus splice site for this exon. This variant is present in population databases (no rsID available, gnomAD 0.01%). This variant has not been reported in the literature in individuals affected with OTOG-related conditions. ClinVar contains an entry for this variant (Variation ID: 2071159). An algorithm developed to predict the effect of missense changes on protein structure and function (PolyPhen-2) suggests that this variant is likely to be tolerated. Variants that disrupt the consensus splice site are a relatively common cause of aberrant splicing (PMID: 17576681, 9536098). Algorithms developed to predict the effect of sequence changes on RNA splicing suggest that this variant may disrupt the consensus splice site. In summary, the available evidence is currently insufficient to determine the role of this variant in disease. Therefore, it has been classified as a Variant of Uncertain Significance.

Literature cited by the submitters: PubMed 17576681; PubMed 9536098.